The following is an entry in ClinVar:

ClinVar aggregate classification (germline): Uncertain significance (1 of 4 stars; one submission).

Conditions:
Ellis-van Creveld syndrome (EVC). Also called: EVC-Related Ellis-van Creveld Syndrome; EVC2-Related Ellis-van Creveld Syndrome; Chondroectodermal dysplasia; MESOECTODERMAL DYSPLASIA. Identifiers: Orphanet 289, MedGen C0013903, MONDO:0009162, OMIM 225500.
Curry-Hall syndrome (WAD). Also called: WEYERS ACRODENTAL DYSOSTOSIS. Identifiers: Orphanet 952, MedGen C0457013, MONDO:0008673, OMIM 193530.

gnomAD v4.1: 1 of 1,486,612 alleles (0.000067%); highest among the groups gnomAD compares: Non-Finnish European, 0.000089%; no homozygotes.

Submission:

Labcorp Genetics (formerly Invitae), Labcorp
Classification: Uncertain significance for Curry-Hall syndrome; Ellis-van Creveld syndrome. Last evaluated: 2021-09-15. Review status: criteria provided, single submitter. Criteria: Invitae Variant Classification Sherloc (09022015). Collection method: clinical testing. Allele origin: germline.
Comment: This sequence change replaces threonine with arginine at codon 11 of the EVC2 protein (p.Thr11Arg). The threonine residue is moderately conserved and there is a moderate physicochemical difference between threonine and arginine. The frequency data for this variant in the population databases is considered unreliable, as metrics indicate insufficient coverage at this position in the ExAC database. This variant has not been reported in the literature in individuals affected with EVC2-related conditions. Algorithms developed to predict the effect of missense changes on protein structure and function are either unavailable or do not agree on the potential impact of this missense change (SIFT: "Deleterious"; PolyPhen-2: "Benign"; Align-GVGD: "Class C0"). Algorithms developed to predict the effect of sequence changes on RNA splicing suggest that this variant may create or strengthen a splice site. In summary, the available evidence is currently insufficient to determine the role of this variant in disease. Therefore, it has been classified as a Variant of Uncertain Significance.

NM_147127.5(EVC2):c.32C>G (p.Thr11Arg)

Gene: EVC2 (EvC ciliary complex subunit 2; minus strand). Cytogenetic location: 4p16.2.
Variant type: single nucleotide variant.
Coding change: c.32C>G on transcript NM_147127.5 (MANE Select); coding-DNA position 32, C replaced by G.
Protein change: p.Thr11Arg; replaces threonine 11 with arginine.
Molecular consequence: missense variant. On other transcripts: intron variant (1).
Genome position (GRCh38, 1-based): chr4:5,708,482, G>C on the plus strand (C>G on the coding strand, the complement: EVC2 is on the minus strand). VCF-style: chr4-5708482-G-C. GRCh37 (hg19) VCF-style: chr4-5710209-G-C.
Other names: c.-13+347C>G (NM_001166136.2); short protein forms T11R.
Identifiers: ClinVar variation 1967121 (VCV001967121.2), dbSNP rs1279975852, ClinGen allele CA356155505.